The following is an entry in ClinVar:

ClinVar aggregate classification (germline): Uncertain significance. Review status: criteria provided, multiple submitters, no conflicts (2 of 4 stars). 3 submissions from 3 submitters: Uncertain significance (3). Last evaluated 2024-11-12.

Conditions:
HNRNPDL-related disorder. Also called: HNRNPDL-related condition.
Autosomal dominant limb-girdle muscular dystrophy type 1G (LGMDD3). Also called: Limb-girdle muscular dystrophy, type 1G; MUSCULAR DYSTROPHY, LIMB-GIRDLE, AUTOSOMAL DOMINANT 3. Identifiers: Orphanet 55596, MedGen C1836765, MONDO:0012193, OMIM 609115.

Allele frequency attached by ClinVar (database versions not stated): gnomAD exomes below 0.00001; gnomAD 0.00001.
gnomAD v4.1: 4 of 1,575,038 alleles (0.00025%); highest among the groups gnomAD compares: East Asian, 0.0047%; no homozygotes.

Submissions (3):

PreventionGenetics, part of Exact Sciences
Classification: Uncertain significance for HNRNPDL-related condition. Last evaluated: 2024-11-12. Review status: criteria provided, single submitter. Criteria: ACMG Guidelines, 2015. Collection method: clinical testing. Allele origin: germline.
Comment: The HNRNPDL c.209C>T variant is predicted to result in the amino acid substitution p.Ala70Val. To our knowledge, this variant has not been reported in the literature. This variant is reported in 0.0011% of alleles in individuals of European (Non-Finnish) descent in gnomAD. At this time, the clinical significance of this variant is uncertain due to the absence of conclusive functional and genetic evidence.

Revvity Omics, Revvity
Classification: Uncertain significance for Autosomal dominant limb-girdle muscular dystrophy type 1G. Last evaluated: 2023-04-27. Review status: criteria provided, single submitter. Criteria: ACMG Guidelines, 2015. Collection method: clinical testing. Allele origin: germline.

Labcorp Genetics (formerly Invitae), Labcorp
Classification: Uncertain significance for Autosomal dominant limb-girdle muscular dystrophy type 1G. Last evaluated: 2023-03-11. Review status: criteria provided, single submitter. Criteria: Invitae Variant Classification Sherloc (09022015). Collection method: clinical testing. Allele origin: germline.
Comment: This sequence change replaces alanine, which is neutral and non-polar, with valine, which is neutral and non-polar, at codon 70 of the HNRNPDL protein (p.Ala70Val). In summary, the available evidence is currently insufficient to determine the role of this variant in disease. Therefore, it has been classified as a Variant of Uncertain Significance. An algorithm developed to predict the effect of missense changes on protein structure and function (PolyPhen-2) suggests that this variant is likely to be disruptive. This variant has not been reported in the literature in individuals affected with HNRNPDL-related conditions. This variant is present in population databases (no rsID available, gnomAD 0.001%).

NM_031372.4(HNRNPDL):c.209C>T (p.Ala70Val)

Gene: HNRNPDL (heterogeneous nuclear ribonucleoprotein D like; minus strand). Cytogenetic location: 4q21.22.
Variant type: single nucleotide variant.
Coding change: c.209C>T on transcript NM_031372.4 (MANE Select); coding-DNA position 209, C replaced by T.
Protein change: p.Ala70Val; replaces alanine 70 with valine.
Molecular consequence: missense variant. On other transcripts: non-coding transcript variant (1).
Genome position (GRCh38, 1-based): chr4:82,429,482, G>A on the plus strand (C>T on the coding strand, the complement: HNRNPDL is on the minus strand). VCF-style: chr4-82429482-G-A. GRCh37 (hg19) VCF-style: chr4-83350635-G-A.
Other names: c.209C>T, p.Ala70Val (NM_001207000.1); short protein forms A70V.
Identifiers: ClinVar variation 2689219 (VCV002689219.6), dbSNP rs1376844254, ClinGen allele CA357172795.